The following is an entry in ClinVar:

ClinVar aggregate classification (germline): Uncertain significance. Review status: criteria provided, multiple submitters, no conflicts (2 of 4 stars). 4 submissions from 4 submitters: Uncertain significance (4). Last evaluated 2025-02-26.

Conditions:
Hereditary nonpolyposis colorectal neoplasms. Identifiers: MedGen C0009405, MeSH D003123.
Hereditary cancer-predisposing syndrome. Also called: Hereditary Cancer Syndrome; Neoplastic Syndromes, Hereditary; Tumor predisposition; Hereditary neoplastic syndrome. Identifiers: Orphanet 140162, MedGen C0027672, MeSH D009386, MONDO:0015356.

Allele frequency attached by ClinVar (database versions not stated): gnomAD exomes below 0.00001.
gnomAD v4.1: 3 of 1,610,354 alleles (0.00019%); highest among the groups gnomAD compares: Non-Finnish European, 0.00025%; no homozygotes.

Submissions (4):

Ambry Genetics
Classification: Uncertain significance for Hereditary cancer-predisposing syndrome. Last evaluated: 2025-02-26. Review status: criteria provided, single submitter. Criteria: Ambry Variant Classification Scheme 2023. Collection method: clinical testing. Allele origin: germline.
Comment: The c.1144+4A>G intronic variant results from an A to G substitution 4 nucleotides after coding exon 10 in the PMS2 gene. This nucleotide position is not well conserved in available vertebrate species. In silico splice site analysis predicts that this alteration will not have any significant effect on splicing; however, direct evidence is insufficient at this time (Ambry internal data). Since supporting evidence is limited at this time, the clinical significance of this alteration remains unclear.

Labcorp Genetics (formerly Invitae), Labcorp
Classification: Uncertain significance for Hereditary nonpolyposis colorectal neoplasms. Last evaluated: 2024-09-14. Review status: criteria provided, single submitter. Criteria: Invitae Variant Classification Sherloc (09022015). Collection method: clinical testing. Allele origin: germline.
Comment: This sequence change falls in intron 10 of the PMS2 gene. It does not directly change the encoded amino acid sequence of the PMS2 protein. RNA analysis indicates that this variant induces altered splicing and likely results in a shortened protein product. This variant is not present in population databases (gnomAD no frequency). This variant has not been reported in the literature in individuals affected with PMS2-related conditions. ClinVar contains an entry for this variant (Variation ID: 480309). Variants that disrupt the consensus splice site are a relatively common cause of aberrant splicing (PMID: 17576681, 9536098). Studies have shown this variant is associated with skipping of exon 10, but one or more of the resulting mRNA isoform(s) may be naturally occurring (internal data). In summary, the available evidence is currently insufficient to determine the role of this variant in disease. Therefore, it has been classified as a Variant of Uncertain Significance.

Quest Diagnostics Nichols Institute San Juan Capistrano
Classification: Uncertain significance. Last evaluated: 2023-08-02. Review status: criteria provided, single submitter. Criteria: Quest Diagnostics criteria. Collection method: clinical testing. Allele origin: unknown.
Comment: This variant has not been reported in the published literature. It also has not been reported in large, multi-ethnic general populations (Genome Aggregation Database). Analysis of this variant using software algorithms for the prediction of the effect of nucleotide changes on PMS2 mRNA splicing yielded inconclusive findings . Based on the available information, we are unable to determine the clinical significance of this variant.

Color Diagnostics, LLC DBA Color Health
Classification: Uncertain significance for Hereditary cancer-predisposing syndrome. Last evaluated: 2023-03-20. Review status: criteria provided, single submitter. Criteria: ACMG Guidelines, 2015. Collection method: clinical testing. Allele origin: germline.
Comment: This variant causes an A to G nucleotide substitution at the +4 position of intron 10 of the PMS2 gene. Splice site prediction tools suggest that this variant may not impact RNA splicing. To our knowledge, functional studies have not been reported for this variant. This variant has not been reported in individuals affected with PMS2-related disorders in the literature. This variant has not been identified in the general population by the Genome Aggregation Database (gnomAD). The available evidence is insufficient to determine the role of this variant in disease conclusively. Therefore, this variant is classified as a Variant of Uncertain Significance.

Literature cited by the submitters: PubMed 17576681 (cited by Labcorp Genetics (formerly Invitae), Labcorp); PubMed 9536098 (cited by Labcorp Genetics (formerly Invitae), Labcorp).

NM_000535.7(PMS2):c.1144+4A>G

Gene: PMS2 (PMS1 homolog 2, mismatch repair system component; minus strand). Cytogenetic location: 7p22.1.
Variant type: single nucleotide variant.
Coding change: c.1144+4A>G on transcript NM_000535.7 (MANE Select); 4 bases into the intron after coding-DNA position 1144, A replaced by G.
Molecular consequence: intron variant.
Genome position (GRCh38, 1-based): chr7:5,989,796, T>C on the plus strand (A>G on the coding strand, the complement: PMS2 is on the minus strand). VCF-style: chr7-5989796-T-C. GRCh37 (hg19) VCF-style: chr7-6029427-T-C.
Other names: c.739+4A>G (NM_001322004.2, NM_001322003.2, NM_001322009.2 and 1 more transcripts); c.571+4A>G (NM_001322013.2); c.211+4A>G (NM_001322012.2, NM_001322011.2); c.835+4A>G (NM_001322015.2); c.826+4A>G (NM_001322007.2, NM_001322008.2); c.989-2176A>G (NM_001322006.2); c.1144+4A>G (NM_001322014.2, NM_000535.6); c.584-2176A>G (NM_001322010.2).
Identifiers: ClinVar variation 480309 (VCV000480309.16), dbSNP rs1554298642, ClinGen allele CA658655985.